The following is an entry in ClinVar:

ClinVar aggregate classification (germline): Uncertain significance (1 of 4 stars; one submission).

Conditions:
Parkinsonism-dystonia, infantile. Identifiers: Orphanet 238455, MedGen C2751067, MONDO:0013150.

Submission:

Labcorp Genetics (formerly Invitae), Labcorp
Classification: Uncertain significance for Parkinsonism-dystonia, infantile. Last evaluated: 2021-07-25. Review status: criteria provided, single submitter. Criteria: Invitae Variant Classification Sherloc (09022015). Collection method: clinical testing. Allele origin: germline.
Comment: In summary, the available evidence is currently insufficient to determine the role of this variant in disease. Therefore, it has been classified as a Variant of Uncertain Significance. Algorithms developed to predict the effect of missense changes on protein structure and function are either unavailable or do not agree on the potential impact of this missense change (SIFT: "Deleterious"; PolyPhen-2: "Benign"; Align-GVGD: "Class C0"). This variant has not been reported in the literature in individuals affected with SLC6A3-related conditions. This variant is not present in population databases (ExAC no frequency). This sequence change replaces glutamic acid with aspartic acid at codon 437 of the SLC6A3 protein (p.Glu437Asp). The glutamic acid residue is highly conserved and there is a small physicochemical difference between glutamic acid and aspartic acid.

NM_001044.5(SLC6A3):c.1311G>C (p.Glu437Asp)

Gene: SLC6A3 (solute carrier family 6 member 3). Cytogenetic location: 5p15.33.
Variant type: single nucleotide variant.
Coding change: c.1311G>C on transcript NM_001044.5 (MANE Select); coding-DNA position 1311, G replaced by C.
Protein change: p.Glu437Asp; replaces glutamic acid 437 with aspartic acid.
Molecular consequence: missense variant.
Genome position (GRCh38, 1-based): chr5:1,409,808, C>G on the plus strand (G>C on the coding strand, the complement: SLC6A3 is on the minus strand). VCF-style: chr5-1409808-C-G. GRCh37 (hg19) VCF-style: chr5-1409923-C-G.
Other names: short protein forms E437D.
Identifiers: ClinVar variation 1429083 (VCV001429083.8), dbSNP rs752558131, ClinGen allele CA359079509.
Genomic context (GRCh38, chr5:1,409,808, plus strand): 5'-GAAGGTCGCCAGGACGATGAAGAGCGTGAAGAGCTCACGGTGTCTGTGCAGCAGCTGGAA[C>G]TCATCGATGAGCCCGGTGATCACTGACTCCATACCACCCATCTGCACACAGAGCACAGGG-3'
Protein context (NP_001035.1, residues 427-447): MESVITGLID[Glu437Asp]FQLLHRHREL